The following is an entry in ClinVar:

NM_013975.4(LIG3):c.2660C>T (p.Ser887Phe)

Gene: LIG3 (DNA ligase 3; plus strand). Cytogenetic location: 17q12.
Variant type: single nucleotide variant.
Coding change: c.2660C>T on transcript NM_013975.4 (MANE Select); coding-DNA position 2660, C replaced by T.
Protein change: p.Ser887Phe; replaces serine 887 with phenylalanine.
Molecular consequence: missense variant.
Genome position (GRCh38, 1-based): chr17:35,002,090, C>T. VCF-style: chr17-35002090-C-T. GRCh37 (hg19) VCF-style: chr17-33329109-C-T.
Other names: c.2660C>T, p.Ser887Phe (NM_002311.5); short protein forms S887F.
Identifiers: ClinVar variation 929073 (VCV000929073.1), dbSNP rs35501315, ClinGen allele CA8498713.

ClinVar aggregate classification (germline): Benign (1 of 4 stars; one submission).

Allele frequency attached by ClinVar (database versions not stated): 1000 Genomes Project 30x 0.00016; 1000 Genomes Project 0.00020; TOPMed 0.00060; gnomAD 0.00070 and 0.00073; gnomAD exomes 0.00074; ExAC 0.00084; ESP Exome Variant Server 0.00108.
gnomAD v4.1: 1,603 of 1,585,308 alleles (0.1%); highest among the groups gnomAD compares: Non-Finnish European, 0.12%; 1 homozygote.

Submission:

Women's Health and Genetics/Laboratory Corporation of America, LabCorp
Classification: Benign. Last evaluated: 2019-02-25. Review status: criteria provided, single submitter. Criteria: LabCorp Variant Classification Summary - May 2015. Collection method: clinical testing. Allele origin: germline.
Comment: Variant summary: LIG3 c.2660C>T (p.Ser887Phe) results in a non-conservative amino acid change in the encoded protein sequence. Four of five in-silico tools predict a benign effect of the variant on protein function. The variant allele was found at a frequency of 0.00076 in 253748 control chromosomes, predominantly at a frequency of 0.0013 within the Non-Finnish European subpopulation in the gnomAD database. The observed variant frequency within Non-Finnish European control individuals in the gnomAD database is approximately 130 fold of the estimated maximal expected allele frequency for a pathogenic variant in LIG3 causing Arrhythmia phenotype (1e-05), strongly suggesting that the variant is a benign polymorphism found primarily in populations of Non-Finnish European origin. To our knowledge, no occurrence of c.2660C>T in individuals affected with Arrhythmia and no experimental evidence demonstrating its impact on protein function have been reported. No clinical diagnostic laboratories have submitted clinical-significance assessments for this variant to ClinVar after 2014. Based on the evidence outlined above, the variant was classified as benign.